The following is an entry in ClinVar:

NM_001009944.3(PKD1):c.5395C>T (p.Gln1799Ter)

Gene: PKD1 (polycystin 1, transient receptor potential channel interacting; minus strand). Cytogenetic location: 16p13.3.
Variant type: single nucleotide variant.
Coding change: c.5395C>T on transcript NM_001009944.3 (MANE Select); coding-DNA position 5395, C replaced by T.
Protein change: p.Gln1799Ter; replaces glutamine 1799 with a stop codon.
Molecular consequence: nonsense.
Genome position (GRCh38, 1-based): chr16:2,109,772, G>A on the plus strand (C>T on the coding strand, the complement: PKD1 is on the minus strand). VCF-style: chr16-2109772-G-A. GRCh37 (hg19) VCF-style: chr16-2159773-G-A.
Other names: c.5395C>T, p.Gln1799Ter (NM_000296.4); short protein forms Q1799*.
Identifiers: ClinVar variation 995197 (VCV000995197.2), dbSNP rs2092452489, ClinGen allele CA394377234.

ClinVar aggregate classification (germline): Pathogenic. Review status: criteria provided, multiple submitters, no conflicts (2 of 4 stars). 2 submissions from 2 submitters: Pathogenic (2). Last evaluated 2022-05-16.

Conditions:
Polycystic kidney disease, adult type (PKD1). Also called: Polycystic Kidney Disease 1, Autosomal Dominant; Polycystic kidney disease 1; Polycystic kidney disease 1, severe; POLYCYSTIC KIDNEY DISEASE, ADULT, TYPE I; POLYCYSTIC KIDNEY DISEASE 1 WITH OR WITHOUT POLYCYSTIC LIVER DISEASE; Polycystic Kidney, Autosomal Dominant. Identifiers: MedGen C3149841, MONDO:0008263, OMIM 173900.

Submissions (2):

Fulgent Genetics
Classification: Pathogenic for Polycystic kidney disease, adult type. Last evaluated: 2022-05-16. Review status: criteria provided, single submitter. Criteria: ACMG Guidelines, 2015. Collection method: clinical testing. Allele origin: unknown.

Athena Diagnostics
Classification: Pathogenic. Last evaluated: 2020-02-05. Review status: criteria provided, single submitter. Criteria: Athena Diagnostics Criteria. Collection method: clinical testing. Allele origin: unknown.
Comment: The variant creates a premature nonsense codon, and is therefore predicted to result in the loss of a functional protein. Found in at least one patient with expected phenotype for this gene, and not found in general population data.

Literature cited by the submitters: PubMed 30042192 (cited by Athena Diagnostics); PubMed 27499327 (cited by Athena Diagnostics); PubMed 26718059 (cited by Athena Diagnostics).